The following is an entry in ClinVar:

ClinVar aggregate classification (germline): Benign/Likely benign. Review status: criteria provided, multiple submitters, no conflicts (2 of 4 stars). 6 submissions from 6 submitters: Benign (1); Likely benign (3). 2 of the submissions do not count toward it. Last evaluated 2026-02-04.

Conditions:
Niemann-Pick disease, type C1. Also called: NEUROVISCERAL STORAGE DISEASE WITH VERTICAL SUPRANUCLEAR OPHTHALMOPLEGIA; NIEMANN-PICK DISEASE WITH CHOLESTEROL ESTERIFICATION BLOCK; NIEMANN-PICK DISEASE WITHOUT SPHINGOMYELINASE DEFICIENCY; NIEMANN-PICK DISEASE, CHRONIC NEURONOPATHIC FORM; NIEMANN-PICK DISEASE, VARIANT TYPE C1. Identifiers: Orphanet 646, MedGen C3179455, MONDO:0009757, OMIM 257220.

Allele frequency attached by ClinVar (database versions not stated): ExAC 0.00215; gnomAD exomes 0.00222 and 0.00329; gnomAD 0.00252 and 0.00257; ESP Exome Variant Server 0.00254; 1000 Genomes Project 0.00260; 1000 Genomes Project 30x 0.00265; TOPMed 0.00289.

Submissions (6):

Labcorp Genetics (formerly Invitae), Labcorp
Classification: Benign for Niemann-Pick disease, type C1. Last evaluated: 2026-02-04. Review status: criteria provided, single submitter. Criteria: Invitae Variant Classification Sherloc (09022015). Collection method: clinical testing. Allele origin: germline.

Mayo Clinic Laboratories, Mayo Clinic
Classification: Likely benign. Last evaluated: 2025-02-03. Review status: criteria provided, single submitter. Criteria: ACMG Guidelines, 2015. Collection method: clinical testing. Allele origin: germline. Observed: 3 variant alleles.
Comment: BS1, BP4

Blueprint Genetics
Classification: Likely benign. Last evaluated: 2024-11-13. Review status: criteria provided, single submitter. Criteria: ACMG Guidelines, 2015. Collection method: clinical testing. Allele origin: germline.

GeneDx
Classification: Likely benign. Last evaluated: 2015-12-15. Review status: criteria provided, single submitter. Criteria: GeneDx Variant Classification (06012015). Collection method: clinical testing. Allele origin: germline. Affected: yes.
Comment: This variant is considered likely benign or benign based on one or more of the following criteria: it is a conservative change, it occurs at a poorly conserved position in the protein, it is predicted to be benign by multiple in silico algorithms, and/or has population frequency not consistent with disease.

Genome Diagnostics Laboratory, Amsterdam University Medical Center
Classification: Likely benign for Niemann-Pick disease, type C1. Last evaluated: 2017-05-21. Review status: no assertion criteria provided. Criteria: ACGS Guidelines, 2013. Collection method: clinical testing. Allele origin: germline. Affected: yes. Study: VKGL Data-share Consensus. Not counted in ClinVar's aggregate classification.

Diagnostic Laboratory, Department of Genetics, University Medical Center Groningen
Classification: Likely benign for Niemann-Pick disease, type C1. Review status: no assertion criteria provided. Collection method: clinical testing. Allele origin: germline. Affected: yes. Study: VKGL Data-share Consensus. Not counted in ClinVar's aggregate classification.

NM_000271.5(NPC1):c.463+19A>G

Gene: NPC1 (NPC intracellular cholesterol transporter 1; minus strand). Cytogenetic location: 18q11.2.
Variant type: single nucleotide variant.
Coding change: c.463+19A>G on transcript NM_000271.5 (MANE Select); 19 bases into the intron after coding-DNA position 463, A replaced by G.
Molecular consequence: intron variant.
Genome position (GRCh38, 1-based): chr18:23,568,804, T>C on the plus strand (A>G on the coding strand, the complement: NPC1 is on the minus strand). VCF-style: chr18-23568804-T-C. GRCh37 (hg19) VCF-style: chr18-21148768-T-C.
Other names: p.?.
Identifiers: ClinVar variation 378276 (VCV000378276.14), dbSNP rs117512587, ClinGen allele CA8913738.